The following is an entry in ClinVar:

ClinVar aggregate classification (germline): Likely benign. Review status: criteria provided, multiple submitters, no conflicts (2 of 4 stars). 3 submissions from 3 submitters: Likely benign (2). 1 of the submissions does not count toward it. Last evaluated 2019-12-31.

Conditions:
HDAC6-related disorder. Also called: HDAC6-related condition.

Allele frequency attached by ClinVar (database versions not stated): 1000 Genomes Project 0.00132; 1000 Genomes Project 30x 0.00146; gnomAD exomes 0.00182; TOPMed 0.00187; gnomAD 0.00190 and 0.00193; ExAC 0.00225; ESP Exome Variant Server 0.00246.
gnomAD v4.1: 3,877 of 1,208,773 alleles (0.32%); highest among the groups gnomAD compares: Non-Finnish European, 0.4%; 7 homozygotes.

Submissions (3):

Labcorp Genetics (formerly Invitae), Labcorp
Classification: Likely benign. Last evaluated: 2019-12-31. Review status: criteria provided, single submitter. Criteria: Invitae Variant Classification Sherloc (09022015). Collection method: clinical testing. Allele origin: germline.

Breakthrough Genomics
Classification: Likely benign. Review status: criteria provided, single submitter. Criteria: ACMG Guidelines, 2015. Collection method: not provided. Allele origin: germline. Inheritance: X-linked inheritance. Affected: yes.

PreventionGenetics, part of Exact Sciences
Classification: Likely benign for HDAC6-related condition. Last evaluated: 2019-05-22. Review status: no assertion criteria provided. Collection method: clinical testing. Allele origin: germline. Not counted in ClinVar's aggregate classification.
Comment: This variant is classified as likely benign based on ACMG/AMP sequence variant interpretation guidelines (Richards et al. 2015 PMID: 25741868, with internal and published modifications).

NM_006044.4(HDAC6):c.3074C>T (p.Ser1025Leu)

Gene: HDAC6 (histone deacetylase 6; plus strand). Cytogenetic location: Xp11.23.
Variant type: single nucleotide variant.
Coding change: c.3074C>T on transcript NM_006044.4 (MANE Select); coding-DNA position 3074, C replaced by T.
Protein change: p.Ser1025Leu; replaces serine 1025 with leucine.
Molecular consequence: missense variant. On other transcripts: non-coding transcript variant (1).
Genome position (GRCh38, 1-based): chrX:48,823,473, C>T. VCF-style: chrX-48823473-C-T. GRCh37 (hg19) VCF-style: chrX-48681883-C-T.
Other names: c.3116C>T, p.Ser1039Leu (NM_001321225.2); c.3074C>T, p.Ser1025Leu (NM_001321226.2, NM_001321227.2, NM_001321228.2 and 1 more transcripts); short protein forms S1039L, S1025L.
Identifiers: ClinVar variation 718821 (VCV000718821.7), dbSNP rs138084502, ClinGen allele CA10405355.
Genomic context (GRCh38, chrX:48,823,473, plus strand): 5'-ACCAGACTACGTCAGAGGAGGCTCCAGGGGGCACCGAGCTGATCCAAACTCCTCTAGCCT[C>T]GAGCACAGACCACCAGACCCCCCCAACCTCACCTGTGCAGGGAACTACACCCCAGATATC-3'
Protein context (NP_006035.2, residues 1015-1035): GTELIQTPLA[Ser1025Leu]STDHQTPPTS